The following is an entry in ClinVar:

NM_016180.5(SLC45A2):c.816del (p.Val274fs)

Gene: SLC45A2 (solute carrier family 45 member 2; minus strand). Cytogenetic location: 5p13.2.
Variant type: Deletion.
Coding change: c.816del on transcript NM_016180.5 (MANE Select); coding-DNA position 816, one base deleted (G; older notation c.816delG).
Protein change: p.Val274fs; shifts the reading frame from valine 274.
Molecular consequence: frameshift variant. On other transcripts: intron variant (1).
Genome position (GRCh38, 1-based): chr5:33,963,763, C deleted on the plus strand (G on the coding strand, the reverse complement: SLC45A2 is on the minus strand). VCF-style (leftmost placement, unchanged base first): chr5-33963762-TC-T. GRCh37 (hg19) VCF-style: chr5-33963867-TC-T.
Other names: c.816del, p.Val274fs (NM_001012509.4); c.563-9259del (NM_001297417.4); short protein forms V274fs.
Identifiers: ClinVar variation 3340515 (VCV003340515.1).

ClinVar aggregate classification (germline): Likely pathogenic (1 of 4 stars; one submission).

Conditions:
Oculocutaneous albinism type 4 (OCA4). Also called: Albinism, oculocutaneous, type IV. Identifiers: Orphanet 79435, MedGen C1847836, MONDO:0011683, OMIM 606574.

Submission:

Diagnostics Services (NGS), CSIR - Centre For Cellular And Molecular Biology
Classification: Likely pathogenic for Oculocutaneous albinism type 4. Last evaluated: 2024-09-12. Review status: criteria provided, single submitter. Criteria: ACMG Guidelines, 2015. Collection method: clinical testing. Allele origin: germline. Affected: yes. Observed: 1 variant allele, 1 homozygote.
Comment: The c.816del variant is not present in publicly available population databases like 1000 Genomes, EVS, ExAC, gnomAD, Indian Exome Database or our in-house exome database. This variant has neither been previously observed in individuals affected with SLC45A2-related conditions nor reported to the clinical databases like Human Genome Mutation Database (HGMD), ClinVar or OMIM, in any affected individuals. In-silico pathogenicity prediction programs like MutationTaster2021, CADD, Varsome, Franklin etc predicted this variant to be likely deleterious. This variant causes frameshift at the 274th position of the wild-type transcript which creates a premature translational stop-signal at the altered transcript that may either result in translation of a truncated protein or cause nonsense mediated decay of the mRNA.